The following is an entry in ClinVar:

ClinVar aggregate classification (germline): Conflicting classifications of pathogenicity. Review status: criteria provided, conflicting classifications (1 of 4 stars). 3 submissions from 3 submitters: Likely pathogenic (1); Uncertain significance (2). Last evaluated 2024-12-20.

Conditions:
Autosomal recessive nonsyndromic hearing loss 3. Also called: NEUROSENSORY NONSYNDROMIC RECESSIVE DEAFNESS 3. Identifiers: Orphanet 90636, MedGen C1838263, MONDO:0010860, OMIM 600316.

Allele frequency attached by ClinVar (database versions not stated): gnomAD exomes 0.00003.
gnomAD v4.1: 11 of 1,577,344 alleles (0.0007%); highest among the groups gnomAD compares: East Asian, 0.023%; no homozygotes.

Submissions (3):

GeneDx
Classification: Uncertain significance. Last evaluated: 2024-12-20. Review status: criteria provided, single submitter. Criteria: GeneDx Variant Classification Process June 2021. Collection method: clinical testing. Allele origin: germline. Affected: yes.
Comment: Reported with additional MYO15A variants in a patient with hearing loss in published literature (PMID: 35346193); In silico analysis indicates that this missense variant does not alter protein structure/function; This variant is associated with the following publications: (PMID: 28383030, 35346193)

Women's Health and Genetics/Laboratory Corporation of America, LabCorp
Classification: Uncertain significance. Last evaluated: 2024-11-26. Review status: criteria provided, single submitter. Criteria: LabCorp Variant Classification Summary - May 2015. Collection method: clinical testing. Allele origin: germline.
Comment: Variant summary: MYO15A c.1651G>A (p.Ala551Thr) results in a non-conservative amino acid change in the encoded protein sequence. Three of five in-silico tools predict a benign effect of the variant on protein function. The variant allele was found at a frequency of 2.7e-05 in 185726 control chromosomes. The available data on variant occurrences in the general population are insufficient to allow any conclusion about variant significance. c.1651G>A has been reported in the literature in compound heterozygous individuals affected with Autosomal Recessive Nonsyndromic Hearing Loss 3 (Jung_2017, Fu_2022). These report(s) do not provide unequivocal conclusions about association of the variant with Autosomal Recessive Nonsyndromic Hearing Loss 3. To our knowledge, no experimental evidence demonstrating an impact on protein function has been reported. The following publications have been ascertained in the context of this evaluation (PMID: 35346193, 28383030). ClinVar contains an entry for this variant (Variation ID: 1301913). Based on the evidence outlined above, the variant was classified as uncertain significance.

Molecular Diagnosis Center for Deafness
Classification: Likely pathogenic for Autosomal recessive nonsyndromic hearing loss 3. Review status: criteria provided, single submitter. Criteria: ClinGen HL ACMG Specifications v1. Collection method: clinical testing. Allele origin: maternal. Observed: 2 variant alleles.

Literature cited by the submitters: PubMed 28383030 (cited by Women's Health and Genetics/Laboratory Corporation of America, LabCorp); PubMed 35346193 (cited by Women's Health and Genetics/Laboratory Corporation of America, LabCorp).

NM_016239.4(MYO15A):c.1651G>A (p.Ala551Thr)

Gene: MYO15A (myosin XVA; plus strand). Cytogenetic location: 17p11.2.
Variant type: single nucleotide variant.
Coding change: c.1651G>A on transcript NM_016239.4 (MANE Select); coding-DNA position 1651, G replaced by A.
Protein change: p.Ala551Thr; replaces alanine 551 with threonine.
Molecular consequence: missense variant.
Genome position (GRCh38, 1-based): chr17:18,120,451, G>A. VCF-style: chr17-18120451-G-A. GRCh37 (hg19) VCF-style: chr17-18023765-G-A.
Other names: c.1651G>A (NM_016239.3); short protein forms A551T.
Identifiers: ClinVar variation 1301913 (VCV001301913.4), dbSNP rs747175448, ClinGen allele CA8423149.
Genomic context (GRCh38, chr17:18,120,451, plus strand): 5'-TTCTGGGGCTTCCTCACGCCGCGCCAGCGCAACCTCCAGCGCGCGCTGTCGGCCTTCGGC[G>A]CCCACCGGGGCCTGGGCTTCGGCCCTGAGTTTGGCCGCCCCGTGCCTCGCCCTGCCACCT-3'
Protein context (NP_057323.3, residues 541-561): NLQRALSAFG[Ala551Thr]HRGLGFGPEF